The following is an entry in ClinVar:

ClinVar aggregate classification (germline): Uncertain significance (0 of 4 stars; one submission).

Conditions:
EIF2AK1-related disorder. Also called: EIF2AK1-related condition.

Submission:

PreventionGenetics, part of Exact Sciences
Classification: Uncertain significance for EIF2AK1-related condition. Last evaluated: 2024-03-18. Review status: no assertion criteria provided. Collection method: clinical testing. Allele origin: germline.
Comment: The EIF2AK1 c.1222G>C variant is predicted to result in the amino acid substitution p.Glu408Gln. To our knowledge, this variant has not been reported in the literature or in a large population database, indicating this variant is rare. At this time, the clinical significance of this variant is uncertain due to the absence of conclusive functional and genetic evidence.

NM_014413.4(EIF2AK1):c.1222G>C (p.Glu408Gln)

Gene: EIF2AK1 (eukaryotic translation initiation factor 2 alpha kinase 1; minus strand). Cytogenetic location: 7p22.1.
Variant type: single nucleotide variant.
Coding change: c.1222G>C on transcript NM_014413.4 (MANE Select); coding-DNA position 1222, G replaced by C.
Protein change: p.Glu408Gln; replaces glutamic acid 408 with glutamine.
Molecular consequence: missense variant.
Genome position (GRCh38, 1-based): chr7:6,038,569, C>G on the plus strand (G>C on the coding strand, the complement: EIF2AK1 is on the minus strand). VCF-style: chr7-6038569-C-G. GRCh37 (hg19) VCF-style: chr7-6078200-C-G.
Other names: c.1219G>C, p.Glu407Gln (NM_001134335.2); short protein forms E407Q, E408Q.
Identifiers: ClinVar variation 3349796 (VCV003349796.1).